The following is an entry in ClinVar:

ClinVar aggregate classification (germline): Uncertain significance. Review status: criteria provided, multiple submitters, no conflicts (2 of 4 stars). 2 submissions from 2 submitters: Uncertain significance (2). Last evaluated 2026-07-02.

Conditions:
Inborn genetic diseases. Identifiers: MedGen C0950123, MeSH D030342.

gnomAD v4.1: 1 of 1,556,002 alleles (0.000064%); highest among the groups gnomAD compares: Non-Finnish European, 0.000087%; no homozygotes.

Submissions (2):

Ambry Genetics
Classification: Uncertain significance for Inborn genetic diseases. Last evaluated: 2026-07-02. Review status: criteria provided, single submitter. Criteria: Ambry Variant Classification Scheme 2023. Collection method: clinical testing. Allele origin: germline.
Comment: The p.L2607V variant (also known as c.7819C>G), located in coding exon 48 of the RYR1 gene, results from a C to G substitution at nucleotide position 7819. The leucine at codon 2607 is replaced by valine, an amino acid with highly similar properties. This amino acid position is conserved. In addition, this alteration is predicted to be deleterious by in silico analysis. Based on the available evidence, the clinical significance of this variant remains unclear.

GeneDx
Classification: Uncertain significance. Last evaluated: 2024-12-13. Review status: criteria provided, single submitter. Criteria: GeneDx Variant Classification Process June 2021. Collection method: clinical testing. Allele origin: germline. Affected: yes.
Comment: Not observed at significant frequency in large population cohorts (gnomAD); In silico analysis supports that this missense variant has a deleterious effect on protein structure/function; Has not been previously published as pathogenic or benign to our knowledge

NM_000540.3(RYR1):c.7819C>G (p.Leu2607Val)

Gene: RYR1 (ryanodine receptor 1; plus strand). Cytogenetic location: 19q13.2.
Variant type: single nucleotide variant.
Coding change: c.7819C>G on transcript NM_000540.3 (MANE Select); coding-DNA position 7819, C replaced by G.
Protein change: p.Leu2607Val; replaces leucine 2607 with valine.
Molecular consequence: missense variant.
Genome position (GRCh38, 1-based): chr19:38,502,711, C>G. VCF-style: chr19-38502711-C-G. GRCh37 (hg19) VCF-style: chr19-38993351-C-G.
Other names: c.7819C>G, p.Leu2607Val (NM_001042723.2); short protein forms L2607V.
Identifiers: ClinVar variation 3903395 (VCV003903395.2).
Genomic context (GRCh38, chr19:38,502,711, plus strand): 5'-TACCGCCTGTCTCGGGGTCGTTCGCTCACCAAGGCGCAGCGTGACGTCATCGAGGACTGC[C>G]TCATGTCGCTCTGCAGGTGGAGCGGGGCAGGCTTCAGGGTGGGGCAGGGGCAGGGGCAGG-3'
Protein context (NP_000531.2, residues 2597-2617): KAQRDVIEDC[Leu2607Val]MSLCRYIRPS